The following is an entry in ClinVar:

NM_000543.5(SMPD1):c.1279C>T (p.His427Tyr)

Gene: SMPD1 (sphingomyelin phosphodiesterase 1; plus strand). Cytogenetic location: 11p15.4.
Variant type: single nucleotide variant.
Coding change: c.1279C>T on transcript NM_000543.5 (MANE Select); coding-DNA position 1279, C replaced by T.
Protein change: p.His427Tyr; replaces histidine 427 with tyrosine.
Molecular consequence: missense variant. On other transcripts: non-coding transcript variant (2).
Genome position (GRCh38, 1-based): chr11:6,393,632, C>T. VCF-style: chr11-6393632-C-T. GRCh37 (hg19) VCF-style: chr11-6414862-C-T.
Other names: c.1276C>T, p.His426Tyr (NM_001007593.3); c.1279C>T, p.His427Tyr (NM_001318087.2); c.358C>T, p.His120Tyr (NM_001318088.2); c.1147C>T, p.His383Tyr (NM_001365135.2); short protein forms H383Y, H427Y, H120Y, H426Y.
Identifiers: ClinVar variation 2131195 (VCV002131195.4), dbSNP rs760930408, ClinGen allele CA379374249.
Genomic context (GRCh38, chr11:6,393,632, plus strand): 5'-GGACCCCTGGATGCCCTGATTACCATCCTTAATTCTCCCTACTAGGTGCATATAATTGGC[C>T]ACATTCCCCCAGGGCACTGTCTGAAGAGCTGGAGCTGGAATTATTACCGAATTGTAGCCA-3'
Protein context (NP_000534.3, residues 417-437): DRGDKVHIIG[His427Tyr]IPPGHCLKSW

ClinVar aggregate classification (germline): Likely pathogenic (1 of 4 stars; one submission).

Conditions:
Niemann-Pick disease, type A. Also called: SPHINGOMYELIN LIPIDOSIS; SPHINGOMYELINASE DEFICIENCY; Infantile Neurovisceral ASMD (Niemann-Pick Disease Type A; NPD-A). Identifiers: Orphanet 77292, MedGen C0268242, MONDO:0009756, OMIM 257200. Disease mechanism: loss of function.
Niemann-Pick disease, type B. Also called: Chronic Visceral ASMD (Niemann-Pick Disease Type B; NPD-B). Identifiers: Orphanet 77293, MedGen C0268243, MONDO:0011871, OMIM 607616. Disease mechanism: loss of function.

Allele frequency attached by ClinVar (database versions not stated): gnomAD 0.00001.
gnomAD v4.1: 1 of 1,613,544 alleles (0.000062%); highest among the groups gnomAD compares: African/African-American, 0.0013%; no homozygotes.

Submission:

Labcorp Genetics (formerly Invitae), Labcorp
Classification: Likely pathogenic for Niemann-Pick disease, type B; Niemann-Pick disease, type A. Last evaluated: 2023-11-21. Review status: criteria provided, single submitter. Criteria: Invitae Variant Classification Sherloc (09022015). Collection method: clinical testing. Allele origin: germline.
Comment: This sequence change replaces histidine, which is basic and polar, with tyrosine, which is neutral and polar, at codon 427 of the SMPD1 protein (p.His427Tyr). This variant is not present in population databases (gnomAD no frequency). This variant has not been reported in the literature in individuals affected with SMPD1-related conditions. ClinVar contains an entry for this variant (Variation ID: 2131195). Advanced modeling of protein sequence and biophysical properties (such as structural, functional, and spatial information, amino acid conservation, physicochemical variation, residue mobility, and thermodynamic stability) performed at Invitae indicates that this missense variant is expected to disrupt SMPD1 protein function with a positive predictive value of 95%. This variant disrupts the p.His427 amino acid residue in SMPD1. Other variant(s) that disrupt this residue have been determined to be pathogenic (PMID: 20386867, 25144372). This suggests that this residue is clinically significant, and that variants that disrupt this residue are likely to be disease-causing. In summary, the currently available evidence indicates that the variant is pathogenic, but additional data are needed to prove that conclusively. Therefore, this variant has been classified as Likely Pathogenic.

Literature cited by the submitters: PubMed 20386867; PubMed 25144372.